The following is an entry in ClinVar:

ClinVar aggregate classification (germline): Pathogenic/Likely pathogenic. Review status: criteria provided, multiple submitters, no conflicts (2 of 4 stars). 4 submissions from 4 submitters: Pathogenic (2); Likely pathogenic (2). Last evaluated 2025-02-03.

Conditions:
Noonan syndrome 5 (NS5). Also called: RAF1-Related Noonan Syndrome. Identifiers: Orphanet 648, MedGen C1969057, MONDO:0012690, OMIM 611553. Disease mechanism: gain of function.
RASopathy. Also called: rasopathies; Noonan spectrum disorder. Identifiers: Orphanet 536391, MedGen C5555857, MONDO:0021060.

Submissions (4):

Labcorp Genetics (formerly Invitae), Labcorp
Classification: Pathogenic for RASopathy. Last evaluated: 2025-02-03. Review status: criteria provided, single submitter. Criteria: Invitae Variant Classification Sherloc (09022015). Collection method: clinical testing. Allele origin: germline.
Comment: This sequence change replaces threonine, which is neutral and polar, with lysine, which is basic and polar, at codon 260 of the RAF1 protein (p.Thr260Lys). This variant is not present in population databases (gnomAD no frequency). This missense change has been observed in individual(s) with Noonan syndrome (internal data). In at least one individual the variant was observed to be de novo. ClinVar contains an entry for this variant (Variation ID: 639302). Invitae Evidence Modeling incorporating data from in vitro experimental studies (internal data) indicates that this missense variant is expected to disrupt RAF1 function with a positive predictive value of 95%. This variant disrupts the p.Thr260 amino acid residue in RAF1. Other variant(s) that disrupt this residue have been determined to be pathogenic (PMID: 17603483; internal data). This suggests that this residue is clinically significant, and that variants that disrupt this residue are likely to be disease-causing. For these reasons, this variant has been classified as Pathogenic.

Baylor Genetics
Classification: Pathogenic for Noonan syndrome 5. Last evaluated: 2020-07-21. Review status: criteria provided, single submitter. Criteria: ACMG Guidelines, 2015. Collection method: clinical testing. Allele origin: de novo. Affected: yes.
Comment: This variant was determined to be pathogenic according to ACMG Guidelines, 2015 [PMID:25741868].

Women's Health and Genetics/Laboratory Corporation of America, LabCorp
Classification: Likely pathogenic for Rasopathy. Last evaluated: 2020-07-08. Review status: criteria provided, single submitter. Criteria: LabCorp Variant Classification Summary - May 2015. Collection method: clinical testing. Allele origin: germline. Inheritance: Autosomal dominant inheritance.
Comment: Variant summary: RAF1 c.779C>A (p.Thr260Lys) results in a non-conservative amino acid change in the encoded protein sequence. Four of five in-silico tools predict a damaging effect of the variant on protein function. The variant was absent in 251468 control chromosomes (gnomAD) )(ACMG PM2). The available data on variant occurrences in the general population are insufficient to allow any conclusion about variant significance. To our knowledge, no occurrence of c.779C>A in individuals affected with Noonan Syndrome And Related Conditions and no experimental evidence demonstrating its impact on protein function have been reported in the literature. Since its previous evaluation by our laboratory, a ClinVar submitter (evaluation after 2014) cites the variant as likely pathogenic, reporting it as de novo occurrence in an individual affected with Noonan syndrome (SCV000931334.1) (ACMG PM6). As parental testing was not conducted, this finding has not been independently corroborated at our laboratory. Other variants affecting the same codon or adjacent codons have been classified as pathogenic by our laboratory, in ClinVar database and reported in HGMD database as disease-associated (e.g. S259P, T260P, T260R, P261A, P261S, P261R, P261L), suggesting a possible mutational hotspot important for protein function (ACMG PM5). Nevertheless, at least one variant affecting the same codon (c.779C>T, p.Thr260Ile) is classified as VUS in ClinVar by the ClinGen RASopathy Variant Curation Expert Panel. Based on the evidence outlined above, the variant was re-classified as likely pathogenic.

Juno Genomics, Hangzhou Juno Genomics, Inc
Classification: Likely pathogenic for Noonan syndrome 5. Review status: criteria provided, single submitter. Criteria: ACMG Guidelines, 2015. Collection method: clinical testing. Allele origin: germline. Affected: yes.
Comment: Absent from controls (or at extremely low frequency if recessive) in Genome Aggregation Database, Exome Sequencing Project, 1000 Genomes Project, or Exome Aggregation Consortium.;Missense variant in a gene that has a low rate of benign missense variation and where missense variants are a common mechanism of disease.;De novo (both maternity and paternity confirmed) in a patient with the disease and no family history.;The prevalence of the variant in affected individuals is significantly increased compared to the prevalence in controls.;Novel missense change at an amino acid residue where a different missense change determined to be pathogenic has been seen before.

Literature cited by the submitters: PubMed 17603483 (cited by Labcorp Genetics (formerly Invitae), Labcorp).

NM_002880.4(RAF1):c.779C>A (p.Thr260Lys)

Gene: RAF1 (Raf-1 proto-oncogene, serine/threonine kinase; minus strand). Cytogenetic location: 3p25.2.
Variant type: single nucleotide variant.
Coding change: c.779C>A on transcript NM_002880.4 (MANE Select); coding-DNA position 779, C replaced by A.
Protein change: p.Thr260Lys; replaces threonine 260 with lysine.
Molecular consequence: missense variant. On other transcripts: non-coding transcript variant (3).
Genome position (GRCh38, 1-based): chr3:12,604,191, G>T on the plus strand (C>A on the coding strand, the complement: RAF1 is on the minus strand). VCF-style: chr3-12604191-G-T. GRCh37 (hg19) VCF-style: chr3-12645690-G-T.
Other names: c.779C>A, p.Thr260Lys (NM_001354689.3, NM_001354690.3); c.536C>A, p.Thr179Lys (NM_001354691.3, NM_001354692.3, NM_001354694.3); c.680C>A, p.Thr227Lys (NM_001354693.3); c.437C>A, p.Thr146Lys (NM_001354695.3); short protein forms T146K, T179K, T260K, T227K.
Identifiers: ClinVar variation 639302 (VCV000639302.8), dbSNP rs869025501, ClinGen allele CA351512405.